The following is an entry in ClinVar:

ClinVar aggregate classification (germline): Likely benign (1 of 4 stars; one submission).

Submission:

CeGaT Center for Human Genetics Tuebingen
Classification: Likely benign. Last evaluated: 2025-10-01. Review status: criteria provided, single submitter. Criteria: CeGaT Center For Human Genetics Tuebingen Variant Classification Criteria Version 2. Collection method: clinical testing. Allele origin: germline. Affected: yes. Observed: 1 variant allele.
Comment: PRKCQ: PM2:Supporting, BP4, BP7

NM_006257.5(PRKCQ):c.72T>C (p.Ala24=)

Gene: PRKCQ (protein kinase C theta; minus strand). Cytogenetic location: 10p15.1.
Variant type: single nucleotide variant.
Coding change: c.72T>C on transcript NM_006257.5 (MANE Select); coding-DNA position 72, T replaced by C.
Protein change: p.Ala24=; no amino-acid change (alanine 24 retained).
Molecular consequence: synonymous variant. On other transcripts: 5 prime UTR variant (4).
Genome position (GRCh38, 1-based): chr10:6,515,064, A>G on the plus strand (T>C on the coding strand, the complement: PRKCQ is on the minus strand). VCF-style: chr10-6515064-A-G. GRCh37 (hg19) VCF-style: chr10-6557026-A-G.
Other names: c.72T>C, p.Ala24= (NM_001242413.2, NM_001323265.1); c.-35T>C (NM_001282644.2, NM_001323267.2); c.-243T>C (NM_001282645.1); c.-241T>C (NM_001323266.2).
Identifiers: ClinVar variation 4535200 (VCV004535200.6).
Genomic context (GRCh38, chr10:6,515,064, plus strand): 5'-CCCCTCAAGCTTACCTGATTCGACATACTCTTTGACGAGCACAGCACAGTAAGGGTTAAC[A>G]GCCTCGCCCTGACAAGACTGGCAGGACCCGCAGTCAAAGTTGGACAAGCCAATCCGAAGA-3'
Protein context (NP_006248.1, residues 14-34): CGSCQSCQGE[Ala24=]VNPYCAVLVK